The following is an entry in ClinVar:

ClinVar aggregate classification (germline): Conflicting classifications of pathogenicity. Review status: criteria provided, conflicting classifications (1 of 4 stars). 2 submissions from 2 submitters: Likely pathogenic (1); Uncertain significance (1). Last evaluated 2021-04-05.

Conditions:
Spastic paraplegia. Identifiers: MedGen C0037772, HP:0001258.
Leukodystrophy, hypomyelinating, 2. Also called: PELIZAEUS-MERZBACHER-LIKE DISEASE, 1. Identifiers: Orphanet 280270, Orphanet 280282, MedGen C1837355, MONDO:0012125, OMIM 608804.

Allele frequency attached by ClinVar (database versions not stated): gnomAD 0.00001; gnomAD exomes 0.00001 and 0.00005; TOPMed 0.00001; ExAC 0.00003.

Submissions (2):

Labcorp Genetics (formerly Invitae), Labcorp
Classification: Uncertain significance for Spastic paraplegia. Last evaluated: 2021-04-05. Review status: criteria provided, single submitter. Criteria: Invitae Variant Classification Sherloc (09022015). Collection method: clinical testing. Allele origin: germline.
Comment: The frequency data for this variant in the population databases is considered unreliable, as metrics indicate poor data quality at this position in the ExAC database. In summary, the available evidence is currently insufficient to determine the role of this variant in disease. Therefore, it has been classified as a Variant of Uncertain Significance. Algorithms developed to predict the effect of sequence changes on RNA splicing suggest that this variant may create or strengthen a splice site, but this prediction has not been confirmed by published transcriptional studies. Algorithms developed to predict the effect of missense changes on protein structure and function (SIFT, PolyPhen-2, Align-GVGD) all suggest that this variant is likely to be disruptive, but these predictions have not been confirmed by published functional studies and their clinical significance is uncertain. This variant has not been reported in the literature in individuals with GJC2-related conditions. This sequence change replaces glycine with serine at codon 43 of the GJC2 protein (p.Gly43Ser). The glycine residue is highly conserved and there is a small physicochemical difference between glycine and serine.

Molecular Diagnostics Lab, Nemours Children's Health, Delaware
Classification: Likely pathogenic for Leukodystrophy, hypomyelinating, 2. Last evaluated: 2021-02-11. Review status: criteria provided, single submitter. Criteria: ACMG Guidelines, 2015. Collection method: clinical testing. Allele origin: paternal, maternal, unknown. Inheritance: Autosomal recessive inheritance. Affected: yes and no. Observed: 1 heterozygote, 2 compound heterozygotes.
Comment: This missense variant (c.127G>A, p.Gly43Ser) was observed at an extremely low frequency in population databases (gnomAD). It has not been described in the literature. Variant prediction programs suggest the change has a deleterious effect, but functional studies have not been published.

NM_020435.4(GJC2):c.127G>A (p.Gly43Ser)

Gene: GJC2 (gap junction protein gamma 2; plus strand). Cytogenetic location: 1q42.13.
Variant type: single nucleotide variant.
Coding change: c.127G>A on transcript NM_020435.4 (MANE Select); coding-DNA position 127, G replaced by A.
Protein change: p.Gly43Ser; replaces glycine 43 with serine.
Molecular consequence: missense variant.
Genome position (GRCh38, 1-based): chr1:228,157,885, G>A. VCF-style: chr1-228157885-G-A. GRCh37 (hg19) VCF-style: chr1-228345586-G-A.
Other names: c.127G>A (NM_020435.3); short protein forms G43S.
Identifiers: ClinVar variation 1438452 (VCV001438452.10), dbSNP rs761544365, ClinGen allele CA1430804.